The following is an entry in ClinVar:

ClinVar aggregate classification (germline): Likely pathogenic. Review status: criteria provided, single submitter (1 of 4 stars). 2 submissions from 2 submitters: Likely pathogenic (1). 1 of the submissions does not count toward it. Last evaluated 2024-11-26.

Conditions:
Mucopolysaccharidosis type 7 (MPS7). Also called: MPS VII; BETA-GLUCURONIDASE DEFICIENCY; SLY SYNDROME; GUSB DEFICIENCY. Identifiers: Orphanet 584, MedGen C0085132, MONDO:0009662, OMIM 253220.

Submissions (2):

Women's Health and Genetics/Laboratory Corporation of America, LabCorp
Classification: Likely pathogenic for Mucopolysaccharidosis type 7. Last evaluated: 2024-11-26. Review status: criteria provided, single submitter. Criteria: LabCorp Variant Classification Summary - May 2015. Collection method: clinical testing. Allele origin: germline.
Comment: Variant summary: GUSB c.1730G>T (p.Arg577Leu) results in a non-conservative amino acid change located in the Glycosyl hydrolases family 2, TIM barrel domain (IPR006103) of the encoded protein sequence. Five of five in-silico tools predict a damaging effect of the variant on protein function. The variant was absent in 251420 control chromosomes. c.1730G>T has been reported in the literature in at-least one individual affected with Mucopolysaccharidosis Type VII (Sly Syndrome) (Storch_2003). At least one publication reports experimental evidence evaluating an impact on protein function. The most pronounced variant effect results in <10% of normal activity in BHK cells (Storch_2003). ClinVar contains an entry for this variant (Variation ID: 902). Based on the evidence outlined above, the variant was classified as likely pathogenic.

OMIM
Classification: Pathogenic for MUCOPOLYSACCHARIDOSIS, TYPE VII. Last evaluated: 2003-02-01. Review status: no assertion criteria provided. Collection method: literature only. Allele origin: germline. Not counted in ClinVar's aggregate classification.

Literature cited by the submitters: PubMed 12522561 (cited by Women's Health and Genetics/Laboratory Corporation of America, LabCorp and OMIM).

NM_000181.4(GUSB):c.1730G>T (p.Arg577Leu)

Gene: GUSB (glucuronidase beta; minus strand). Cytogenetic location: 7q11.21.
Variant type: single nucleotide variant.
Coding change: c.1730G>T on transcript NM_000181.4 (MANE Select); coding-DNA position 1730, G replaced by T.
Protein change: p.Arg577Leu; replaces arginine 577 with leucine.
Molecular consequence: missense variant. On other transcripts: non-coding transcript variant (1).
Genome position (GRCh38, 1-based): chr7:65,964,382, C>A on the plus strand (G>T on the coding strand, the complement: GUSB is on the minus strand). VCF-style: chr7-65964382-C-A. GRCh37 (hg19) VCF-style: chr7-65429369-C-A.
Other names: c.1292G>T, p.Arg431Leu (NM_001284290.2); c.1160G>T, p.Arg387Leu (NM_001293104.2); c.1073G>T, p.Arg358Leu (NM_001293105.2); short protein forms R577L, R358L, R387L, R431L.
Identifiers: ClinVar variation 902 (VCV000000902.3), dbSNP rs121918183, ClinGen allele CA339849.
Genomic context (GRCh38, chr7:65,964,382, plus strand): 5'-CACTGTTCAGTCATGAAATCGGCAAAATTCCAAATGAGCTCTCCAACCACGTATTTTCTG[C>A]GTTTTTGATCCAGACCCAGATGGTACTGCTCTAGCAGACTTTTCTGGTACTCTTCAGTGA-3'
Protein context (NP_000172.2, residues 567-587): EQYHLGLDQK[Arg577Leu]RKYVVGELIW